The following is an entry in ClinVar:

NM_002529.4(NTRK1):c.2142C>T (p.Gly714=)

Gene: NTRK1 (neurotrophic receptor tyrosine kinase 1; plus strand). Cytogenetic location: 1q23.1.
Variant type: single nucleotide variant.
Coding change: c.2142C>T on transcript NM_002529.4 (MANE Select); coding-DNA position 2142, C replaced by T.
Protein change: p.Gly714=; no amino-acid change (glycine 714 retained).
Molecular consequence: synonymous variant.
Genome position (GRCh38, 1-based): chr1:156,880,094, C>T. VCF-style: chr1-156880094-C-T. GRCh37 (hg19) VCF-style: chr1-156849886-C-T.
Other names: c.2034C>T, p.Gly678= (NM_001007792.1); c.2124C>T, p.Gly708= (NM_001012331.2).
Identifiers: ClinVar variation 526744 (VCV000526744.18), dbSNP rs145139769, ClinGen allele CA1169576.

ClinVar aggregate classification (germline): Likely benign. Review status: criteria provided, multiple submitters, no conflicts (2 of 4 stars). 6 submissions from 6 submitters: Likely benign (6). Last evaluated 2026-06-01.

Conditions:
Inborn genetic diseases. Identifiers: MedGen C0950123, MeSH D030342.
Hereditary insensitivity to pain with anhidrosis (CIPA). Also called: hereditary sensory and autonomic neuropathy type 4; INSENSITIVITY TO PAIN, CONGENITAL, WITH ANHIDROSIS; NTRK1 Congenital Insensitivity to Pain with Anhidrosis; HSAN Type IV; FAMILIAL DYSAUTONOMIA, TYPE II; NEUROPATHY, CONGENITAL SENSORY, WITH ANHIDROSIS. Identifiers: Orphanet 642, MedGen C0020074, MONDO:0009746, OMIM 256800.

Allele frequency attached by ClinVar (database versions not stated): gnomAD exomes 0.00017; ExAC 0.00019; 1000 Genomes Project 0.00060; gnomAD 0.00062 and 0.00064; TOPMed 0.00064; 1000 Genomes Project 30x 0.00078; ESP Exome Variant Server 0.00123.

Submissions (6):

CeGaT Center for Human Genetics Tuebingen
Classification: Likely benign. Last evaluated: 2026-06-01. Review status: criteria provided, single submitter. Criteria: CeGaT Center For Human Genetics Tuebingen Variant Classification Criteria Version 2. Collection method: clinical testing. Allele origin: germline. Affected: yes. Observed: 1 variant allele.
Comment: NTRK1: BP4, BP7

Labcorp Genetics (formerly Invitae), Labcorp
Classification: Likely benign for Hereditary insensitivity to pain with anhidrosis. Last evaluated: 2026-01-28. Review status: criteria provided, single submitter. Criteria: Invitae Variant Classification Sherloc (09022015). Collection method: clinical testing. Allele origin: germline.

Women's Health and Genetics/Laboratory Corporation of America, LabCorp
Classification: Likely benign. Last evaluated: 2025-11-18. Review status: criteria provided, single submitter. Criteria: LabCorp Variant Classification Summary - May 2015. Collection method: clinical testing. Allele origin: germline.

Blueprint Genetics
Classification: Likely benign. Last evaluated: 2024-04-19. Review status: criteria provided, single submitter. Criteria: ACMG Guidelines, 2015. Collection method: clinical testing. Allele origin: germline.

Genome-Nilou Lab
Classification: Likely benign for Hereditary insensitivity to pain with anhidrosis. Last evaluated: 2023-04-11. Review status: criteria provided, single submitter. Criteria: ACMG Guidelines, 2015. Collection method: clinical testing. Allele origin: germline. Affected: no.

Ambry Genetics
Classification: Likely benign for Inborn genetic diseases. Last evaluated: 2019-07-11. Review status: criteria provided, single submitter. Criteria: Ambry Variant Classification Scheme 2023. Collection method: clinical testing. Allele origin: germline.